The following is an entry in ClinVar:

ClinVar aggregate classification (germline): Uncertain significance (1 of 4 stars; one submission).

Allele frequency attached by ClinVar (database versions not stated): gnomAD exomes below 0.00001.
gnomAD v4.1: 1 of 1,613,792 alleles (0.000062%); highest among the groups gnomAD compares: Non-Finnish European, 0.000085%; no homozygotes.

Submission:

Labcorp Genetics (formerly Invitae), Labcorp
Classification: Uncertain significance. Last evaluated: 2023-07-17. Review status: criteria provided, single submitter. Criteria: Invitae Variant Classification Sherloc (09022015). Collection method: clinical testing. Allele origin: germline.
Comment: An algorithm developed to predict the effect of missense changes on protein structure and function (PolyPhen-2) suggests that this variant is likely to be disruptive. In summary, the available evidence is currently insufficient to determine the role of this variant in disease. Therefore, it has been classified as a Variant of Uncertain Significance. ClinVar contains an entry for this variant (Variation ID: 1473239). This variant has not been reported in the literature in individuals affected with KIAA1549-related conditions. This variant is not present in population databases (gnomAD no frequency). This sequence change replaces proline, which is neutral and non-polar, with serine, which is neutral and polar, at codon 1236 of the KIAA1549 protein (p.Pro1236Ser).

NM_001164665.2(KIAA1549):c.3706C>T (p.Pro1236Ser)

Gene: KIAA1549 (KIAA1549; minus strand). Cytogenetic location: 7q34.
Variant type: single nucleotide variant.
Coding change: c.3706C>T on transcript NM_001164665.2 (MANE Select); coding-DNA position 3706, C replaced by T.
Protein change: p.Pro1236Ser; replaces proline 1236 with serine.
Molecular consequence: missense variant.
Genome position (GRCh38, 1-based): chr7:138,899,096, G>A on the plus strand (C>T on the coding strand, the complement: KIAA1549 is on the minus strand). VCF-style: chr7-138899096-G-A. GRCh37 (hg19) VCF-style: chr7-138583842-G-A.
Other names: c.3706C>T, p.Pro1236Ser (NM_020910.3); short protein forms P1236S.
Identifiers: ClinVar variation 1473239 (VCV001473239.6), dbSNP rs2130442604, ClinGen allele CA369381580.